The following is an entry in ClinVar:

NM_006421.5(ARFGEF1):c.73G>A (p.Val25Met)

Gene: ARFGEF1 (ARF guanine nucleotide exchange factor 1; minus strand). Cytogenetic location: 8q13.2.
Variant type: single nucleotide variant.
Coding change: c.73G>A on transcript NM_006421.5 (MANE Select); coding-DNA position 73, G replaced by A.
Protein change: p.Val25Met; replaces valine 25 with methionine.
Molecular consequence: missense variant. On other transcripts: 5 prime UTR variant (4), non-coding transcript variant (1).
Genome position (GRCh38, 1-based): chr8:67,343,215, C>T on the plus strand (G>A on the coding strand, the complement: ARFGEF1 is on the minus strand). VCF-style: chr8-67343215-C-T. GRCh37 (hg19) VCF-style: chr8-68255450-C-T.
Other names: c.73G>A, p.Val25Met (NM_001413184.1, NM_001413185.1, NM_001413186.1 and 7 more transcripts); c.-518G>A (NM_001413188.1); c.-564G>A (NM_001413193.1); c.-1043G>A (NM_001413196.1); c.-497G>A (NM_001413197.1); short protein forms V25M.
Identifiers: ClinVar variation 4070628 (VCV004070628.1).

ClinVar aggregate classification (germline): Likely pathogenic (1 of 4 stars; one submission).

Submission:

GeneDx
Classification: Likely pathogenic. Last evaluated: 2025-01-17. Review status: criteria provided, single submitter. Criteria: GeneDx Variant Classification Process June 2021. Collection method: clinical testing. Allele origin: germline. Affected: yes.
Comment: Not observed at significant frequency in large population cohorts (gnomAD); In silico analysis indicates that this missense variant does not alter protein structure/function; Has not been previously published as pathogenic or benign to our knowledge